The following is an entry in ClinVar:

ClinVar aggregate classification (germline): Uncertain significance (1 of 4 stars; one submission).

Allele frequency attached by ClinVar (database versions not stated): gnomAD exomes below 0.00001; TOPMed below 0.00001; gnomAD 0.00001.
gnomAD v4.1: 7 of 1,613,916 alleles (0.00043%); highest among the groups gnomAD compares: Admixed American, 0.0017%; no homozygotes.

Submission:

Labcorp Genetics (formerly Invitae), Labcorp
Classification: Uncertain significance. Last evaluated: 2024-01-02. Review status: criteria provided, single submitter. Criteria: Invitae Variant Classification Sherloc (09022015). Collection method: clinical testing. Allele origin: germline.
Comment: This sequence change replaces arginine, which is basic and polar, with glutamine, which is neutral and polar, at codon 1674 of the UBR1 protein (p.Arg1674Gln). This variant is present in population databases (no rsID available, gnomAD 0.007%). This variant has not been reported in the literature in individuals affected with UBR1-related conditions. ClinVar contains an entry for this variant (Variation ID: 2038177). Advanced modeling of protein sequence and biophysical properties (such as structural, functional, and spatial information, amino acid conservation, physicochemical variation, residue mobility, and thermodynamic stability) performed at Invitae indicates that this missense variant is not expected to disrupt UBR1 protein function with a negative predictive value of 80%. In summary, the available evidence is currently insufficient to determine the role of this variant in disease. Therefore, it has been classified as a Variant of Uncertain Significance.

NM_174916.3(UBR1):c.5021G>A (p.Arg1674Gln)

Gene: UBR1 (ubiquitin protein ligase E3 component n-recognin 1; minus strand). Cytogenetic location: 15q15.2.
Variant type: single nucleotide variant.
Coding change: c.5021G>A on transcript NM_174916.3 (MANE Select); coding-DNA position 5021, G replaced by A.
Protein change: p.Arg1674Gln; replaces arginine 1674 with glutamine.
Molecular consequence: missense variant.
Genome position (GRCh38, 1-based): chr15:42,950,349, C>T on the plus strand (G>A on the coding strand, the complement: UBR1 is on the minus strand). VCF-style: chr15-42950349-C-T. GRCh37 (hg19) VCF-style: chr15-43242547-C-T.
Other names: short protein forms R1674Q.
Identifiers: ClinVar variation 2038177 (VCV002038177.4), dbSNP rs1303434876, ClinGen allele CA392052682.